The following is an entry in ClinVar:

ClinVar aggregate classification (germline): Likely pathogenic. Review status: criteria provided, multiple submitters, no conflicts (2 of 4 stars). 2 submissions from 2 submitters: Likely pathogenic (2). Last evaluated 2021-08-24.

Conditions:
Joubert syndrome 5 (JBTS5). Identifiers: Orphanet 2318, MedGen C1857780, MONDO:0012432, OMIM 610188.
Senior-Loken syndrome 6 (SLSN6). Identifiers: Orphanet 3156, MedGen C1857779, MONDO:0012433, OMIM 610189.
Bardet-Biedl syndrome 14 (BBS14). Identifiers: Orphanet 110, MedGen C2673874, MONDO:0014442, OMIM 615991.
Meckel syndrome, type 4 (MKS4). Also called: MECKEL-GRUBER SYNDROME, TYPE 4. Identifiers: Orphanet 564, MedGen C1970161, MONDO:0012626, OMIM 611134.
Leber congenital amaurosis 10 (LCA10). Identifiers: Orphanet 65, MedGen C1857821, MONDO:0012723, OMIM 611755.
CEP290-related disorder. Also called: CEP290-related condition; CEP290-related disorders. Identifiers: MedGen CN239314.

Submissions (2):

Blueprint Genetics
Classification: Likely pathogenic for CEP290-related disorders. Last evaluated: 2021-08-24. Review status: criteria provided, single submitter. Criteria: ACMG Guidelines, 2015. Collection method: clinical testing. Allele origin: germline. Affected: yes. Observed: 3 variant alleles.

Molecular Genetics Department, Kulakov National Medical Research Center for Obstetrics, Gynecology and Perinatology
Classification: Likely pathogenic for Joubert syndrome 5; Senior-Loken syndrome 6; Meckel syndrome, type 4; Leber congenital amaurosis 10; Bardet-Biedl syndrome 14. Review status: criteria provided, single submitter. Criteria: ACMG Guidelines, 2015. Collection method: clinical testing. Allele origin: germline. Affected: yes. Observed: 1 variant allele.
Comment: A previously undescribed heterozygous nucleotide variant creates a premature translation stop signal p.Gln370Ter in the CEP290 gene. Homozygous and compound heterozygous variants are reported in patients with ?Bardet-Biedl syndrome 14, 615991; Joubert syndrome 5, 610188; Leber congenital amaurosis 10, 611755; Meckel syndrome 4, 611134; Senior-Loken syndrome 6, 610189. The variant is not present in population database (gnomAD no frequency). In summary, the currently available evidence indicates that the variant is pathogenic, but additional data are needed to prove that conclusively. Therefore, this variant has been classified as likely pathogenic.

NM_025114.4(CEP290):c.1108C>T (p.Gln370Ter)

Gene: CEP290 (centrosomal protein 290; minus strand). Cytogenetic location: 12q21.32.
Variant type: single nucleotide variant.
Coding change: c.1108C>T on transcript NM_025114.4 (MANE Select); coding-DNA position 1108, C replaced by T.
Protein change: p.Gln370Ter; replaces glutamine 370 with a stop codon.
Molecular consequence: nonsense.
Genome position (GRCh38, 1-based): chr12:88,125,327, G>A on the plus strand (C>T on the coding strand, the complement: CEP290 is on the minus strand). VCF-style: chr12-88125327-G-A. GRCh37 (hg19) VCF-style: chr12-88519104-G-A.
Other names: short protein forms Q370*.
Identifiers: ClinVar variation 4294525 (VCV004294525.2).